The following is an entry in ClinVar:

ClinVar aggregate classification (germline): Likely pathogenic (1 of 4 stars; one submission).

Conditions:
PLCE1-related disorder. Also called: PLCE1-related condition.

Submission:

PreventionGenetics, part of Exact Sciences
Classification: Likely pathogenic for PLCE1-related condition. Last evaluated: 2025-11-06. Review status: criteria provided, single submitter. Criteria: ACMG Guidelines, 2015. Collection method: clinical testing. Allele origin: germline.
Comment: The PLCE1 c.4887dupA variant is predicted to result in a frameshift and premature protein termination (p.Ala1630Serfs*3). To our knowledge, this variant has not been reported in the literature. This variant is reported in 0.0033% of alleles in individuals of South Asian descent in gnomAD. Frameshift variants in PLCE1 are expected to be pathogenic. This variant is interpreted as likely pathogenic.

NM_016341.4(PLCE1):c.4887dup (p.Ala1630fs)

Genes: PLCE1 (phospholipase C epsilon 1; plus strand), PLCE1-AS1 (PLCE1 antisense RNA 1; minus strand). Cytogenetic location: 10q23.33.
Variant type: Duplication.
Coding change: c.4887dup on transcript NM_016341.4 (MANE Select); coding-DNA position 4887, one base duplicated (A; older notation c.4887dupA).
Protein change: p.Ala1630fs; shifts the reading frame from alanine 1630.
Molecular consequence: frameshift variant.
Genome position (GRCh38, 1-based): chr10:94,283,881, A duplicated; the last of 3 consecutive A bases (chr10:94,283,879-94,283,881); duplicating any one gives the same sequence. VCF-style (leftmost placement, unchanged base first): chr10-94283878-G-GA. GRCh37 (hg19) VCF-style: chr10-96043635-G-GA.
Other names: c.3963dup, p.Ala1322fs (NM_001165979.2); c.4839dup, p.Ala1614fs (NM_001288989.2); short protein forms A1322fs, A1614fs, A1630fs.
Identifiers: ClinVar variation 2636945 (VCV002636945.2), dbSNP rs747229979, ClinGen allele CA5613240.
Genomic context (GRCh38, chr10:94,283,878, plus strand): 5'-TAAATCATGTAATGACAAGCTTCAGTTTGAATATAATGAAGAAATCCCAAAGAGGATAAA[G>GA]AAAGCAGATAACTCTGCTTGCAACAAAGGAAAGGTGGGTGAACGGTTTCTGTTAAATGAC-3'